The following is an entry in ClinVar:

NM_032119.4(ADGRV1):c.2363T>C (p.Ile788Thr)

Gene: ADGRV1 (adhesion G protein-coupled receptor V1; plus strand). Cytogenetic location: 5q14.3.
Variant type: single nucleotide variant.
Coding change: c.2363T>C on transcript NM_032119.4 (MANE Select); coding-DNA position 2363, T replaced by C.
Protein change: p.Ile788Thr; replaces isoleucine 788 with threonine.
Molecular consequence: missense variant. On other transcripts: non-coding transcript variant (1).
Genome position (GRCh38, 1-based): chr5:90,642,758, T>C. VCF-style: chr5-90642758-T-C. GRCh37 (hg19) VCF-style: chr5-89938575-T-C.
Other names: short protein forms I788T.
Identifiers: ClinVar variation 2108010 (VCV002108010.4), dbSNP rs1358690487, ClinGen allele CA360387611.
Genomic context (GRCh38, chr5:90,642,758, plus strand): 5'-AAAATGATGACCCTGGGGGAGTTTTTGAATTTTCTCCTGCTTCCAGAGGACCCTATGTTA[T>C]AAAAGTAAGTACGAAAAAAACTTCCATTTATTCTGTGCTCACAACTTTAGAAGAATGATC-3'
Protein context (NP_115495.3, residues 778-798): FSPASRGPYV[Ile788Thr]KEGESVELHI

ClinVar aggregate classification (germline): Uncertain significance (1 of 4 stars; one submission).

Allele frequency attached by ClinVar (database versions not stated): TOPMed below 0.00001; gnomAD 0.00001; gnomAD exomes 0.00001.
gnomAD v4.1: 13 of 1,610,854 alleles (0.00081%); highest among the groups gnomAD compares: Non-Finnish European, 0.0011%; no homozygotes.

Submission:

Labcorp Genetics (formerly Invitae), Labcorp
Classification: Uncertain significance. Last evaluated: 2023-10-05. Review status: criteria provided, single submitter. Criteria: Invitae Variant Classification Sherloc (09022015). Collection method: clinical testing. Allele origin: germline.
Comment: This sequence change replaces isoleucine, which is neutral and non-polar, with threonine, which is neutral and polar, at codon 788 of the ADGRV1 protein (p.Ile788Thr). This variant is not present in population databases (gnomAD no frequency). This variant has not been reported in the literature in individuals affected with ADGRV1-related conditions. ClinVar contains an entry for this variant (Variation ID: 2108010). Advanced modeling of protein sequence and biophysical properties (such as structural, functional, and spatial information, amino acid conservation, physicochemical variation, residue mobility, and thermodynamic stability) performed at Invitae indicates that this missense variant is not expected to disrupt ADGRV1 protein function. In summary, the available evidence is currently insufficient to determine the role of this variant in disease. Therefore, it has been classified as a Variant of Uncertain Significance.